The following is an entry in ClinVar:

ClinVar aggregate classification (germline): Uncertain significance (1 of 4 stars; one submission).

Submission:

GeneDx
Classification: Uncertain significance. Last evaluated: 2021-04-07. Review status: criteria provided, single submitter. Criteria: GeneDx Variant Classification Process June 2021. Collection method: clinical testing. Allele origin: germline. Affected: yes.
Comment: Not observed in large population cohorts (Lek et al., 2016); In silico analysis supports that this missense variant has a deleterious effect on protein structure/function; Has not been previously published as pathogenic or benign to our knowledge

NM_000110.4(DPYD):c.2975G>A (p.Cys992Tyr)

Gene: DPYD (dihydropyrimidine dehydrogenase; minus strand). Cytogenetic location: 1p21.3.
Variant type: single nucleotide variant.
Coding change: c.2975G>A on transcript NM_000110.4 (MANE Select); coding-DNA position 2975, G replaced by A.
Protein change: p.Cys992Tyr; replaces cysteine 992 with tyrosine.
Molecular consequence: missense variant.
Genome position (GRCh38, 1-based): chr1:97,079,079, C>T on the plus strand (G>A on the coding strand, the complement: DPYD is on the minus strand). VCF-style: chr1-97079079-C-T. GRCh37 (hg19) VCF-style: chr1-97544635-C-T.
Other names: short protein forms C992Y.
Identifiers: ClinVar variation 1314377 (VCV001314377.2), dbSNP rs2101548857, ClinGen allele CA341373890.